The following is an entry in ClinVar:

ClinVar aggregate classification (germline): Pathogenic (1 of 4 stars; one submission).

Conditions:
Proximal 16p11.2 microdeletion syndrome. Also called: CHROMOSOME 16p11.2 DELETION SYNDROME, 593-KB; Chromosome 16p11.2 deletion syndrome; 16p11.2 Recurrent Deletion. Identifiers: Orphanet 261197, MedGen C3150154, MONDO:0012756, OMIM 611913.

Submission:

Department of Prenatal Diagnosis, Henan Provincial People’s Hospital
Classification: Pathogenic for Proximal 16p11.2 microdeletion syndrome. Last evaluated: 2026-11-25. Review status: criteria provided, single submitter. Criteria: ACMG/ClinGen CNV Guidelines, 2019. Collection method: research. Allele origin: paternal, de novo. Affected: yes. Observed: 2 variant alleles.
Comment: During the prenatal stage, a 524-kb heterozygous deletion (29673954-30198600) within the 16p11.2 region was identified in two fetuses. Based on the "ACMG/ClinGen CNV Guidelines" (2019, PMID: 31690835), this deletion encompasses the established haploinsufficiency genomic region-16p11.2 recurrent region (proximal, BP4-BP5) (includes TBX6)，which satisfies the criteria for Evidence Type 2A and is assigned a score of 1. As a result, the observed copy number deletion in this case achieves a cumulative score of ≥0.99, classifying it as a pathogenic copy number variant.

GRCh37/hg19 16p11.2(chr16:29673954-30198600)x1

Genes: ALDOA (aldolase, fructose-bisphosphate A; plus strand), ASPHD1 (aspartate beta-hydroxylase domain containing 1; plus strand), C16orf54 (chromosome 16 open reading frame 54; minus strand), CDIPT (CDP-diacylglycerol--inositol 3-phosphatidyltransferase; minus strand), CORO1A (coronin 1A; plus strand) and 22 more. Cytogenetic location: 16p11.2.
Variant type: copy number loss.
Change: copy number 1 (one copy instead of two) of chr16:29,673,954-30,198,600 (524.6 kb, GRCh37 coordinates, 1-based), cytogenetic band 16p11.2.
Identifiers: ClinVar variation 5043567 (VCV005043567.1).